The following is an entry in ClinVar:

NM_005120.3(MED12):c.5263A>T (p.Thr1755Ser)

Gene: MED12 (mediator complex subunit 12; plus strand). Cytogenetic location: Xq13.1.
Variant type: single nucleotide variant.
Coding change: c.5263A>T on transcript NM_005120.3 (MANE Select); coding-DNA position 5263, A replaced by T.
Protein change: p.Thr1755Ser; replaces threonine 1755 with serine.
Molecular consequence: missense variant.
Genome position (GRCh38, 1-based): chrX:71,136,518, A>T. VCF-style: chrX-71136518-A-T. GRCh37 (hg19) VCF-style: chrX-70356368-A-T.
Other names: short protein forms T1755S.
Identifiers: ClinVar variation 1723592 (VCV001723592.2), dbSNP rs1318779406, ClinGen allele CA413534664.

ClinVar aggregate classification (germline): Uncertain significance (1 of 4 stars; one submission).

Submission:

GeneDx
Classification: Uncertain significance. Last evaluated: 2022-05-12. Review status: criteria provided, single submitter. Criteria: GeneDx Variant Classification Process June 2021. Collection method: clinical testing. Allele origin: germline. Affected: yes.
Comment: Not observed at significant frequency in large population cohorts (gnomAD); In silico analysis supports that this missense variant does not alter protein structure/function; Has not been previously published as pathogenic or benign to our knowledge